The following is an entry in ClinVar:

NM_001378454.1(ALMS1):c.7448T>A (p.Val2483Glu)

Gene: ALMS1 (ALMS1 centrosome and basal body associated protein; plus strand). Cytogenetic location: 2p13.1.
Variant type: single nucleotide variant.
Coding change: c.7448T>A on transcript NM_001378454.1 (MANE Select); coding-DNA position 7448, T replaced by A.
Protein change: p.Val2483Glu; replaces valine 2483 with glutamic acid.
Molecular consequence: missense variant.
Genome position (GRCh38, 1-based): chr2:73,453,975, T>A. VCF-style: chr2-73453975-T-A. GRCh37 (hg19) VCF-style: chr2-73681102-T-A.
Other names: c.7451T>A, p.Val2484Glu (NM_015120.4); short protein forms V2483E, V2484E.
Identifiers: ClinVar variation 2156943 (VCV002156943.2), dbSNP rs759950844, ClinGen allele CA1714236.
Genomic context (GRCh38, chr2:73,453,975, plus strand): 5'-AGGGTGTGTCAGAGAGTGAGGATGGTGGTGGTAGCAGTGTAGATTCACTGGCTGCACATG[T>A]GAAAAACCTTCTGCAATGTGAATCCTCACTGAATCATGCTAAAGAAATACTCAGAAATGC-3'
Protein context (NP_001365383.1, residues 2473-2493): GSSVDSLAAH[Val2483Glu]KNLLQCESSL

ClinVar aggregate classification (germline): Uncertain significance. Review status: criteria provided, multiple submitters, no conflicts (2 of 4 stars). 2 submissions from 2 submitters: Uncertain significance (2). Last evaluated 2024-11-22.

Conditions:
Cardiovascular phenotype. Identifiers: MedGen CN230736.
Alstrom syndrome (ALMS). Identifiers: Orphanet 64, MedGen C0268425, MONDO:0008763, OMIM 203800.

Allele frequency attached by ClinVar (database versions not stated): TOPMed below 0.00001; ExAC 0.00003; gnomAD exomes 0.00003.
gnomAD v4.1: 42 of 1,613,822 alleles (0.0026%); highest among the groups gnomAD compares: Non-Finnish European, 0.0036%; no homozygotes.

Submissions (2):

Ambry Genetics
Classification: Uncertain significance for Cardiovascular phenotype. Last evaluated: 2024-11-22. Review status: criteria provided, single submitter. Criteria: Ambry Variant Classification Scheme 2023. Collection method: clinical testing. Allele origin: germline.
Comment: The p.V2484E variant (also known as c.7451T>A), located in coding exon 8 of the ALMS1 gene, results from a T to A substitution at nucleotide position 7451. The valine at codon 2484 is replaced by glutamic acid, an amino acid with dissimilar properties. This amino acid position is highly conserved in available vertebrate species. In addition, this alteration is predicted to be deleterious by in silico analysis. Based on the available evidence, the clinical significance of this variant remains unclear.

Labcorp Genetics (formerly Invitae), Labcorp
Classification: Uncertain significance for Alstrom syndrome. Last evaluated: 2022-04-28. Review status: criteria provided, single submitter. Criteria: Invitae Variant Classification Sherloc (09022015). Collection method: clinical testing. Allele origin: germline.
Comment: This sequence change replaces valine, which is neutral and non-polar, with glutamic acid, which is acidic and polar, at codon 2484 of the ALMS1 protein (p.Val2484Glu). This variant is present in population databases (rs759950844, gnomAD 0.004%). This variant has not been reported in the literature in individuals affected with ALMS1-related conditions. Experimental studies and prediction algorithms are not available or were not evaluated, and the functional significance of this variant is currently unknown. In summary, the available evidence is currently insufficient to determine the role of this variant in disease. Therefore, it has been classified as a Variant of Uncertain Significance.